The following is an entry in ClinVar:

NM_005157.6(ABL1):c.1930G>A (p.Gly644Arg)

Gene: ABL1 (ABL proto-oncogene 1, non-receptor tyrosine kinase; plus strand). Cytogenetic location: 9q34.12.
Variant type: single nucleotide variant.
Coding change: c.1930G>A on transcript NM_005157.6 (MANE Select); coding-DNA position 1930, G replaced by A.
Protein change: p.Gly644Arg; replaces glycine 644 with arginine.
Molecular consequence: missense variant.
Genome position (GRCh38, 1-based): chr9:130,884,220, G>A. VCF-style: chr9-130884220-G-A. GRCh37 (hg19) VCF-style: chr9-133759607-G-A.
Other names: c.1987G>A, p.Gly663Arg (NM_007313.3); short protein forms G663R, G644R.
Identifiers: ClinVar variation 4694272 (VCV004694272.1).
Genomic context (GRCh38, chr9:130,884,220, plus strand): 5'-ATGGACGGCCAGCCGGAGCGCAGAGGGGCCGGCGAGGAAGAGGGCCGAGACATCAGCAAC[G>A]GGGCACTGGCTTTCACCCCCTTGGACACAGCTGACCCAGCCAAGTCCCCAAAGCCCAGCA-3'
Protein context (NP_005148.2, residues 634-654): GEEEGRDISN[Gly644Arg]ALAFTPLDTA

ClinVar aggregate classification (germline): Uncertain significance (1 of 4 stars; one submission).

gnomAD v4.1: 18 of 1,608,138 alleles (0.0011%); highest among the groups gnomAD compares: Admixed American, 0.0051%; no homozygotes.

Submission:

Labcorp Genetics (formerly Invitae), Labcorp
Classification: Uncertain significance. Last evaluated: 2025-09-11. Review status: criteria provided, single submitter. Criteria: Invitae Variant Classification Sherloc (09022015). Collection method: clinical testing. Allele origin: germline.
Comment: This sequence change replaces glycine, which is neutral and non-polar, with arginine, which is basic and polar, at codon 663 of the ABL1 protein (p.Gly663Arg). This variant is present in population databases (rs763315791, gnomAD 0.007%). This variant has not been reported in the literature in individuals affected with ABL1-related conditions. Invitae Evidence Modeling of protein sequence and biophysical properties (such as structural, functional, and spatial information, amino acid conservation, physicochemical variation, residue mobility, and thermodynamic stability) indicates that this missense variant is not expected to disrupt ABL1 protein function with a negative predictive value of 95%. In summary, the available evidence is currently insufficient to determine the role of this variant in disease. Therefore, it has been classified as a Variant of Uncertain Significance.